The following is an entry in ClinVar:

ClinVar aggregate classification (germline): Uncertain significance. Review status: criteria provided, multiple submitters, no conflicts (2 of 4 stars). 3 submissions from 3 submitters: Uncertain significance (3). Last evaluated 2026-04-09.

Conditions:
Inborn genetic diseases. Identifiers: MedGen C0950123, MeSH D030342.

Allele frequency attached by ClinVar (database versions not stated): gnomAD exomes 0.00001; ExAC 0.00002; TOPMed 0.00005; gnomAD 0.00006.
gnomAD v4.1: 28 of 1,613,522 alleles (0.0017%); highest among the groups gnomAD compares: Admixed American, 0.018%; 2 homozygotes.

Submissions (3):

Women's Health and Genetics/Laboratory Corporation of America, LabCorp
Classification: Uncertain significance. Last evaluated: 2026-04-09. Review status: criteria provided, single submitter. Criteria: LabCorp Variant Classification Summary - May 2015. Collection method: clinical testing. Allele origin: germline.
Comment: Variant summary: FNIP1 c.1997A>G (p.Tyr666Cys) results in a non-conservative amino acid change in the encoded protein sequence. Algorithms developed to predict the effect of missense changes on protein structure and function are either unavailable or do not agree on the potential impact of this missense change. The variant allele was found at a frequency of 3.2e-05 in 249880 control chromosomes. The available data on variant occurrences in the general population are insufficient to allow any conclusion about variant significance. To our knowledge, no occurrence of c.1997A>G in individuals affected with FNIP1-related conditions and no experimental evidence demonstrating its impact on protein function have been reported. ClinVar contains an entry for this variant (Variation ID: 2195235). Based on the evidence outlined above, the variant was classified as uncertain significance.

Labcorp Genetics (formerly Invitae), Labcorp
Classification: Uncertain significance. Last evaluated: 2025-02-09. Review status: criteria provided, single submitter. Criteria: Invitae Variant Classification Sherloc (09022015). Collection method: clinical testing. Allele origin: germline.
Comment: This sequence change replaces tyrosine, which is neutral and polar, with cysteine, which is neutral and slightly polar, at codon 666 of the FNIP1 protein (p.Tyr666Cys). This variant is present in population databases (rs778975882, gnomAD 0.01%). This variant has not been reported in the literature in individuals affected with FNIP1-related conditions. ClinVar contains an entry for this variant (Variation ID: 2195235). An algorithm developed to predict the effect of missense changes on protein structure and function (PolyPhen-2) suggests that this variant is likely to be tolerated. In summary, the available evidence is currently insufficient to determine the role of this variant in disease. Therefore, it has been classified as a Variant of Uncertain Significance.

Ambry Genetics
Classification: Uncertain significance for Inborn genetic diseases. Last evaluated: 2023-04-18. Review status: criteria provided, single submitter. Criteria: Ambry Variant Classification Scheme 2023. Collection method: clinical testing. Allele origin: germline.

NM_133372.3(FNIP1):c.1997A>G (p.Tyr666Cys)

Gene: FNIP1 (folliculin interacting protein 1; minus strand). Cytogenetic location: 5q31.1.
Variant type: single nucleotide variant.
Coding change: c.1997A>G on transcript NM_133372.3 (MANE Select); coding-DNA position 1997, A replaced by G.
Protein change: p.Tyr666Cys; replaces tyrosine 666 with cysteine.
Molecular consequence: missense variant.
Genome position (GRCh38, 1-based): chr5:131,672,447, T>C on the plus strand (A>G on the coding strand, the complement: FNIP1 is on the minus strand). VCF-style: chr5-131672447-T-C. GRCh37 (hg19) VCF-style: chr5-131008140-T-C.
Other names: c.1913A>G, p.Tyr638Cys (NM_001008738.3); c.1862A>G, p.Tyr621Cys (NM_001346114.2); c.1997A>G (NM_133372.2); short protein forms Y621C, Y666C, Y638C.
Identifiers: ClinVar variation 2195235 (VCV002195235.6), dbSNP rs778975882, ClinGen allele CA3400583.